The following is an entry in ClinVar:

NM_017654.4(SAMD9):c.796C>A (p.Leu266Met)

Gene: SAMD9 (sterile alpha motif domain containing 9; minus strand). Cytogenetic location: 7q21.2.
Variant type: single nucleotide variant.
Coding change: c.796C>A on transcript NM_017654.4 (MANE Select); coding-DNA position 796, C replaced by A.
Protein change: p.Leu266Met; replaces leucine 266 with methionine.
Molecular consequence: missense variant.
Genome position (GRCh38, 1-based): chr7:93,105,302, G>T on the plus strand (C>A on the coding strand, the complement: SAMD9 is on the minus strand). VCF-style: chr7-93105302-G-T. GRCh37 (hg19) VCF-style: chr7-92734615-G-T.
Other names: c.796C>A, p.Leu266Met (NM_001193307.2); short protein forms L266M.
Identifiers: ClinVar variation 4159179 (VCV004159179.1).

ClinVar aggregate classification (germline): Uncertain significance (1 of 4 stars; one submission).

Conditions:
Inborn genetic diseases. Identifiers: MedGen C0950123, MeSH D030342.

Submission:

Ambry Genetics
Classification: Uncertain significance for Inborn genetic diseases. Last evaluated: 2025-08-23. Review status: criteria provided, single submitter. Criteria: Ambry Variant Classification Scheme 2023. Collection method: clinical testing. Allele origin: germline.
Comment: The p.L266M variant (also known as c.796C>A), located in coding exon 1 of the SAMD9 gene, results from a C to A substitution at nucleotide position 796. The leucine at codon 266 is replaced by methionine, an amino acid with highly similar properties. This amino acid position is conserved. In addition, this alteration is predicted to be tolerated by in silico analysis. Based on the available evidence, the clinical significance of this variant remains unclear.